The following is an entry in ClinVar:

NM_130384.3(ATRIP):c.203C>T (p.Ser68Leu)

Genes: ATRIP (ATR interacting protein; plus strand), ATRIP-TREX1 (ATRIP-TREX1 readthrough; plus strand). Cytogenetic location: 3p21.31.
Variant type: single nucleotide variant.
Coding change: c.203C>T on transcript NM_130384.3 (MANE Select); coding-DNA position 203, C replaced by T.
Protein change: p.Ser68Leu; replaces serine 68 with leucine.
Molecular consequence: missense variant. On other transcripts: non-coding transcript variant (1), intron variant (1).
Genome position (GRCh38, 1-based): chr3:48,447,048, C>T. VCF-style: chr3-48447048-C-T. GRCh37 (hg19) VCF-style: chr3-48488452-C-T.
Other names: c.203C>T, p.Ser68Leu (NM_032166.4); c.-218+249C>T (NM_001271022.2); c.203C>T (NM_130384.1); short protein forms S68L.
Identifiers: ClinVar variation 2414411 (VCV002414411.6), dbSNP rs551289572, ClinGen allele CA2375901.
Genomic context (GRCh38, chr3:48,447,048, plus strand): 5'-CGTTCGGCGCGCATGGGGACTTCACTGCCGACGACCTGGAGGAGCTTGACACCCTCGCGT[C>T]ACAGGCCCTGAGCCAATGTCCGGCCGCGGCTCGGGACGTGTCCAGTGAGTGCTCCTCGCG-3'
Protein context (NP_569055.1, residues 58-78): DDLEELDTLA[Ser68Leu]QALSQCPAAA

ClinVar aggregate classification (germline): Uncertain significance. Review status: criteria provided, multiple submitters, no conflicts (2 of 4 stars). 2 submissions from 2 submitters: Uncertain significance (2). Last evaluated 2025-01-01.

Allele frequency attached by ClinVar (database versions not stated): gnomAD exomes 0.00003; ExAC 0.00004; 1000 Genomes Project 30x 0.00016; 1000 Genomes Project 0.00020; TOPMed 0.00028; gnomAD 0.00036.
gnomAD v4.1: 98 of 1,567,308 alleles (0.0063%); highest among the groups gnomAD compares: Admixed American, 0.18%; no homozygotes.

Submissions (2):

Labcorp Genetics (formerly Invitae), Labcorp
Classification: Uncertain significance. Last evaluated: 2025-01-01. Review status: criteria provided, single submitter. Criteria: Invitae Variant Classification Sherloc (09022015). Collection method: clinical testing. Allele origin: germline.
Comment: This sequence change replaces serine, which is neutral and polar, with leucine, which is neutral and non-polar, at codon 68 of the ATRIP protein (p.Ser68Leu). This variant is present in population databases (rs551289572, gnomAD 0.07%), and has an allele count higher than expected for a pathogenic variant. This variant has not been reported in the literature in individuals affected with ATRIP-related conditions. ClinVar contains an entry for this variant (Variation ID: 2414411). An algorithm developed to predict the effect of missense changes on protein structure and function (PolyPhen-2) suggests that this variant is likely to be disruptive. In summary, the available evidence is currently insufficient to determine the role of this variant in disease. Therefore, it has been classified as a Variant of Uncertain Significance.

Ambry Genetics
Classification: Uncertain significance. Last evaluated: 2024-12-26. Review status: criteria provided, single submitter. Criteria: Ambry Variant Classification Scheme 2023. Collection method: clinical testing. Allele origin: germline.
Comment: The p.S68L variant (also known as c.203C>T), located in coding exon 1 of the ATRIP gene, results from a C to T substitution at nucleotide position 203. The serine at codon 68 is replaced by leucine, an amino acid with dissimilar properties. In addition, this alteration is predicted to be deleterious by in silico analysis. The evidence for this gene-disease relationship is limited; therefore, the clinical significance of this alteration is unclear.